The following is an entry in ClinVar:

ClinVar aggregate classification (germline): Pathogenic (0 of 4 stars; one submission).

Conditions:
Neuropathy, hereditary sensory and autonomic, type 2A (HSAN2A). Also called: WNK1-Related HSAN2 (HSAN2A); MORVAN DISEASE; NEUROPATHY, CONGENITAL SENSORY; NEUROPATHY, HEREDITARY SENSORY RADICULAR, AUTOSOMAL RECESSIVE; NEUROPATHY, HEREDITARY SENSORY, TYPE IIA; NEUROPATHY, PROGRESSIVE SENSORY, OF CHILDREN. Identifiers: Orphanet 970, MedGen C2752089, MONDO:0024309, OMIM 201300.

Submission:

Institute of Human Genetics, University Hospital Jena
Classification: Pathogenic for Neuropathy, hereditary sensory and autonomic, type 2A. Last evaluated: 2020-07-08. Review status: no assertion criteria provided. Collection method: clinical testing. Allele origin: germline. Affected: yes.
Comment: in dbSNP rs755667636, but not in ClinVar

Literature cited by the submitters: PubMed 16534117; PubMed 19651702.

NM_213655.5(WNK1):c.3447dup (p.Gln1150fs)

Gene: WNK1 (WNK lysine deficient protein kinase 1; plus strand). Cytogenetic location: 12p13.33.
Variant type: Duplication.
Coding change: c.3447dup on transcript NM_213655.5 (MANE Plus Clinical); coding-DNA position 3447, one base duplicated (T; older notation c.3447dupT).
Protein change: p.Gln1150fs; shifts the reading frame from glutamine 1150.
Molecular consequence: frameshift variant. On other transcripts: intron variant (2).
Genome position (GRCh38, 1-based): chr12:868,918, T duplicated; the last of 4 consecutive T bases (chr12:868,915-868,918); duplicating any one gives the same sequence. VCF-style (leftmost placement, unchanged base first): chr12-868914-A-AT. GRCh37 (hg19) VCF-style: chr12-978080-A-AT.
Other names: c.3192dup, p.Gln1065fs (NM_001184985.2); c.2140-2347dup (NM_018979.4, NM_014823.3); short protein forms Q1065fs, Q1150fs.
Identifiers: ClinVar variation 973161 (VCV000973161.1), dbSNP rs755667636, ClinGen allele CA6382360.